The following is an entry in ClinVar:

NM_002168.4(IDH2):c.47G>A (p.Gly16Asp)

Genes: IDH2-DT (IDH2 divergent transcript; plus strand), IDH2 (isocitrate dehydrogenase (NADP(+)) 2; minus strand). Cytogenetic location: 15q26.1.
Variant type: single nucleotide variant.
Coding change: c.47G>A on transcript NM_002168.4 (MANE Select); coding-DNA position 47, G replaced by A.
Protein change: p.Gly16Asp; replaces glycine 16 with aspartic acid.
Molecular consequence: missense variant. On other transcripts: non-coding transcript variant (1), 5 prime UTR variant (1).
Genome position (GRCh38, 1-based): chr15:90,102,344, C>T on the plus strand (G>A on the coding strand, the complement: IDH2 is on the minus strand). VCF-style: chr15-90102344-C-T. GRCh37 (hg19) VCF-style: chr15-90645576-C-T.
Other names: c.47G>A (NM_002168.2); c.-86G>A (NM_001290114.2); short protein forms G16D.
Identifiers: ClinVar variation 1879305 (VCV001879305.34), dbSNP rs775225193, ClinGen allele CA7733294.

ClinVar aggregate classification (germline): Conflicting classifications of pathogenicity. Review status: criteria provided, conflicting classifications (1 of 4 stars). 4 submissions from 4 submitters: Uncertain significance (3); Likely benign (1). Last evaluated 2025-07-04.

Conditions:
Inborn genetic diseases. Identifiers: MedGen C0950123, MeSH D030342.
D-2-hydroxyglutaric aciduria 2 (D2HGA2). Identifiers: Orphanet 79315, MedGen C3150909, MONDO:0013345, OMIM 613657.

Allele frequency attached by ClinVar (database versions not stated): gnomAD 0.00011; TOPMed 0.00008; gnomAD exomes 0.00009.
gnomAD v4.1: 126 of 1,369,046 alleles (0.0092%); highest among the groups gnomAD compares: Middle Eastern, 0.047%; no homozygotes.

Submissions (4):

Labcorp Genetics (formerly Invitae), Labcorp
Classification: Uncertain significance for D-2-hydroxyglutaric aciduria 2. Last evaluated: 2025-07-04. Review status: criteria provided, single submitter. Criteria: Invitae Variant Classification Sherloc (09022015). Collection method: clinical testing. Allele origin: germline.
Comment: This sequence change replaces glycine, which is neutral and non-polar, with aspartic acid, which is acidic and polar, at codon 16 of the IDH2 protein (p.Gly16Asp). The frequency data for this variant in the population databases is considered unreliable, as metrics indicate poor data quality at this position in the gnomAD database. This variant has not been reported in the literature in individuals affected with IDH2-related conditions. ClinVar contains an entry for this variant (Variation ID: 1879305). Invitae Evidence Modeling of protein sequence and biophysical properties (such as structural, functional, and spatial information, amino acid conservation, physicochemical variation, residue mobility, and thermodynamic stability) indicates that this missense variant is not expected to disrupt IDH2 protein function with a negative predictive value of 80%. In summary, the available evidence is currently insufficient to determine the role of this variant in disease. Therefore, it has been classified as a Variant of Uncertain Significance.

Ambry Genetics
Classification: Uncertain significance for Inborn genetic diseases. Last evaluated: 2025-04-03. Review status: criteria provided, single submitter. Criteria: Ambry Variant Classification Scheme 2023. Collection method: clinical testing. Allele origin: germline.

Blueprint Genetics
Classification: Likely benign. Last evaluated: 2024-11-08. Review status: criteria provided, single submitter. Criteria: ACMG Guidelines, 2015. Collection method: clinical testing. Allele origin: germline.

CeGaT Center for Human Genetics Tuebingen
Classification: Uncertain significance. Last evaluated: 2022-12-01. Review status: criteria provided, single submitter. Criteria: CeGaT Center For Human Genetics Tuebingen Variant Classification Criteria Version 2. Collection method: clinical testing. Allele origin: germline. Affected: yes. Observed: 1 variant allele.